The following is an entry in ClinVar:

ClinVar aggregate classification (germline): Conflicting classifications of pathogenicity. Review status: criteria provided, conflicting classifications (1 of 4 stars). 5 submissions from 5 submitters: Uncertain significance (2); Benign (1); Likely benign (2). Last evaluated 2026-01-26.

Conditions:
AHI1-related disorder. Also called: AHI1-related condition.
Joubert syndrome. Also called: Familial aplasia of the vermis; JOUBERT-BOLTSHAUSER SYNDROME. Identifiers: Orphanet 475, MedGen C5979921, MONDO:0018772.
Joubert syndrome 3 (JBTS3). Also called: AHI1-related Ciliopathy. Identifiers: Orphanet 220493, MedGen C1837713, MONDO:0012078, OMIM 608629.

Allele frequency attached by ClinVar (database versions not stated): gnomAD 0.00001 and 0.00010; TOPMed 0.00003; gnomAD exomes 0.00019 and 0.00032; ExAC 0.00041; 1000 Genomes Project 0.00060; 1000 Genomes Project 30x 0.00078.
gnomAD v4.1: 283 of 1,582,116 alleles (0.018%); highest among the groups gnomAD compares: South Asian, 0.3%; 4 homozygotes.

Submissions (5):

Labcorp Genetics (formerly Invitae), Labcorp
Classification: Likely benign for Joubert syndrome. Last evaluated: 2026-01-26. Review status: criteria provided, single submitter. Criteria: Invitae Variant Classification Sherloc (09022015). Collection method: clinical testing. Allele origin: germline.

PreventionGenetics, part of Exact Sciences
Classification: Likely benign for AHI1-related condition. Last evaluated: 2025-04-22. Review status: criteria provided, single submitter. Criteria: ACMG Guidelines, 2015. Collection method: clinical testing. Allele origin: germline.
Comment: This variant is classified as likely benign based on ACMG/AMP sequence variant interpretation guidelines (Richards et al. 2015 PMID: 25741868, with internal and published modifications).

Blueprint Genetics
Classification: Benign. Last evaluated: 2024-10-01. Review status: criteria provided, single submitter. Criteria: ACMG Guidelines, 2015. Collection method: clinical testing. Allele origin: germline.

Genetic Services Laboratory, University of Chicago
Classification: Uncertain significance. Last evaluated: 2018-08-21. Review status: criteria provided, single submitter. Criteria: ACMG Guidelines, 2015. Collection method: clinical testing. Allele origin: germline. Affected: no.

Illumina Laboratory Services, Illumina
Classification: Uncertain significance for Joubert syndrome 3. Last evaluated: 2018-01-13. Review status: criteria provided, single submitter. Criteria: ICSL Variant Classification Criteria 13 December 2019. Collection method: clinical testing. Allele origin: germline.

NM_001134831.2(AHI1):c.2784A>T (p.Glu928Asp)

Gene: AHI1 (Abelson helper integration site 1; minus strand). Cytogenetic location: 6q23.3.
Variant type: single nucleotide variant.
Coding change: c.2784A>T on transcript NM_001134831.2 (MANE Select); coding-DNA position 2784, A replaced by T.
Protein change: p.Glu928Asp; replaces glutamic acid 928 with aspartic acid.
Molecular consequence: missense variant.
Genome position (GRCh38, 1-based): chr6:135,411,525, T>A on the plus strand (A>T on the coding strand, the complement: AHI1 is on the minus strand). VCF-style: chr6-135411525-T-A. GRCh37 (hg19) VCF-style: chr6-135732663-T-A.
Other names: c.2784A>T, p.Glu928Asp (NM_001134830.2, NM_001134832.2, NM_001350503.2 and 2 more transcripts); short protein forms E928D.
Identifiers: ClinVar variation 355499 (VCV000355499.18), dbSNP rs538724792, ClinGen allele CA4012263.